The following is an entry in ClinVar:

ClinVar aggregate classification (germline): Pathogenic. Review status: criteria provided, multiple submitters, no conflicts (2 of 4 stars). 3 submissions from 3 submitters: Pathogenic (2). 1 of the submissions does not count toward it. Last evaluated 2023-01-20.

Conditions:
Tuberous sclerosis 2 (TSC2). Identifiers: Orphanet 805, MedGen C1860707, MONDO:0013199, OMIM 613254.
Tuberous sclerosis syndrome (TSC). Also called: Tuberous Sclerosis Complex; Tuberous sclerosis. Identifiers: Orphanet 805, MedGen C0041341, MONDO:0001734.

Submissions (3):

Labcorp Genetics (formerly Invitae), Labcorp
Classification: Pathogenic for Tuberous sclerosis 2. Last evaluated: 2023-01-20. Review status: criteria provided, single submitter. Criteria: Invitae Variant Classification Sherloc (09022015). Collection method: clinical testing. Allele origin: germline.
Comment: ClinVar contains an entry for this variant (Variation ID: 50163). For these reasons, this variant has been classified as Pathogenic. This premature translational stop signal has been observed in individual(s) with tuberous sclerosis complex (PMID: 10205261). This variant is not present in population databases (gnomAD no frequency). This sequence change creates a premature translational stop signal (p.Tyr598*) in the TSC2 gene. It is expected to result in an absent or disrupted protein product. Loss-of-function variants in TSC2 are known to be pathogenic (PMID: 10205261, 17304050).

ARUP Laboratories, Molecular Genetics and Genomics, ARUP Laboratories
Classification: Pathogenic. Last evaluated: 2022-03-24. Review status: criteria provided, single submitter. Criteria: ARUP Molecular Germline Variant Investigation Process 2021. Collection method: clinical testing. Allele origin: germline.
Comment: The TSC2 c.1794C>G; p.Tyr598Ter variant (rs45509094) is reported in the literature in at least two individuals with a clinical diagnosis of TSC (Hung 2006, Jones 1999). The variant is listed in the ClinVar database (Variation ID: 50163) but is absent from the Genome Aggregation Database, indicating it is not a common polymorphism. This variant induces an early termination codon and is predicted to result in a truncated protein or mRNA subject to nonsense-mediated decay. Based on available information, this variant is classified as pathogenic. References: Hung CC et al. Molecular and clinical analyses of 84 patients with tuberous sclerosis complex. BMC Med Genet. 2006 Sep 18;7:72. PMID: 16981987. Jones AC et al. Comprehensive mutation analysis of TSC1 and TSC2-and phenotypic correlations in 150 families with tuberous sclerosis. Am J Hum Genet. 1999 May;64(5):1305-15. PMID: 10205261.

Tuberous sclerosis database (TSC2)
No classification provided. Condition: TSC. Review status: no classification provided. Criteria: Tuberous Sclerosis Database Assertion Criteria 2015. Collection method: curation. Allele origin: germline. Affected: yes. Not counted in ClinVar's aggregate classification.

Literature cited by the submitters: PubMed 10205261 (cited by Labcorp Genetics (formerly Invitae), Labcorp); PubMed 17304050 (cited by Labcorp Genetics (formerly Invitae), Labcorp).

NM_000548.5(TSC2):c.1794C>G (p.Tyr598Ter)

Gene: TSC2 (TSC complex subunit 2; plus strand). Cytogenetic location: 16p13.3.
Variant type: single nucleotide variant.
Coding change: c.1794C>G on transcript NM_000548.5 (MANE Select); coding-DNA position 1794, C replaced by G.
Protein change: p.Tyr598Ter; replaces tyrosine 598 with a stop codon.
Molecular consequence: nonsense.
Genome position (GRCh38, 1-based): chr16:2,070,533, C>G. VCF-style: chr16-2070533-C-G. GRCh37 (hg19) VCF-style: chr16-2120534-C-G.
Other names: c.1794C>G, p.Tyr598Ter (NM_001077183.3, NM_001114382.3, NM_001363528.2 and 3 more transcripts); c.1683C>G, p.Tyr561Ter (NM_001318827.2); c.1647C>G, p.Tyr549Ter (NM_001318829.2); c.1194C>G, p.Tyr398Ter (NM_001318831.2); c.1827C>G, p.Tyr609Ter (NM_001318832.2); short protein forms Y598*, Y561*, Y549*, Y398*, Y609*.
Identifiers: ClinVar variation 50163 (VCV000050163.8), dbSNP rs45509094, ClinGen allele CA015804.